The following is an entry in ClinVar:

NM_174936.4(PCSK9):c.1781C>T (p.Ala594Val)

Gene: PCSK9 (proprotein convertase subtilisin/kexin type 9; plus strand). Cytogenetic location: 1p32.3.
Variant type: single nucleotide variant.
Coding change: c.1781C>T on transcript NM_174936.4 (MANE Select); coding-DNA position 1781, C replaced by T.
Protein change: p.Ala594Val; replaces alanine 594 with valine.
Molecular consequence: missense variant.
Genome position (GRCh38, 1-based): chr1:55,061,474, C>T. VCF-style: chr1-55061474-C-T. GRCh37 (hg19) VCF-style: chr1-55527147-C-T.
Other names: c.1904C>T, p.Ala635Val (NM_001407240.1); c.1823C>T, p.Ala608Val (NM_001407241.1); c.1784C>T, p.Ala595Val (NM_001407242.1); c.1724C>T, p.Ala575Val (NM_001407243.1); c.1607C>T, p.Ala536Val (NM_001407244.1); c.1589C>T, p.Ala530Val (NM_001407245.1); c.1406C>T, p.Ala469Val (NM_001407246.1); c.1280C>T, p.Ala427Val (NM_001407247.1); short protein forms A594V, A530V, A575V, A608V, A536V, A595V, A427V, A469V.
Identifiers: ClinVar variation 919674 (VCV000919674.6), dbSNP rs578162610, ClinGen allele CA340480354.

ClinVar aggregate classification (germline): Uncertain significance (1 of 4 stars; one submission).

Conditions:
Familial hypercholesterolemia. Also called: Familial hypercholesterolaemia. Identifiers: MedGen C0020445, MONDO:0005439.

Submission:

Color Diagnostics, LLC DBA Color Health
Classification: Uncertain significance for Familial hypercholesterolemia. Last evaluated: 2023-12-05. Review status: criteria provided, single submitter. Criteria: ACMG Guidelines, 2015. Collection method: clinical testing. Allele origin: germline.
Comment: This missense variant replaces alanine with valine at codon 594 of the PCSK9 protein. Computational prediction tools and conservation analyses are inconclusive regarding the impact of this variant on the protein function. Computational splicing tools suggest that this variant may not impact RNA splicing. To our knowledge, functional assays have not been performed for this variant nor has this variant been reported in individuals affected with familial hypercholesterolemia in the literature. This variant has not been identified in the general population by the Genome Aggregation Database (gnomAD). Available evidence is insufficient to determine the role of this variant in disease conclusively. Therefore, this variant is classified as a Variant of Uncertain Significance.